The following is an entry in ClinVar:

NM_000222.3(KIT):c.1939C>T (p.Leu647Phe)

Gene: KIT (KIT proto-oncogene, receptor tyrosine kinase; plus strand). Cytogenetic location: 4q12.
Variant type: single nucleotide variant.
Coding change: c.1939C>T on transcript NM_000222.3 (MANE Select); coding-DNA position 1939, C replaced by T.
Protein change: p.Leu647Phe; replaces leucine 647 with phenylalanine.
Molecular consequence: missense variant.
Genome position (GRCh38, 1-based): chr4:54,728,070, C>T. VCF-style: chr4-54728070-C-T. GRCh37 (hg19) VCF-style: chr4-55594236-C-T.
Other names: c.1927C>T, p.Leu643Phe (NM_001093772.2, NM_001385286.1); c.1942C>T, p.Leu648Phe (NM_001385284.1, NM_001385290.1); c.1939C>T, p.Leu647Phe (NM_001385285.1); c.1930C>T, p.Leu644Phe (NM_001385288.1, NM_001385292.1); short protein forms L643F, L648F, L644F, L647F.
Identifiers: ClinVar variation 3720579 (VCV003720579.2).

ClinVar aggregate classification (germline): Uncertain significance (1 of 4 stars; one submission).

Conditions:
Gastrointestinal stromal tumor. Also called: Gastrointestinal stromal tumor, somatic; Gastrointestinal stroma tumor. Identifiers: Orphanet 44890, MedGen C0238198, MeSH D046152, MONDO:0011719, OMIM 606764, HP:0100723.

Submission:

Labcorp Genetics (formerly Invitae), Labcorp
Classification: Uncertain significance for Gastrointestinal stromal tumor. Last evaluated: 2024-08-28. Review status: criteria provided, single submitter. Criteria: Invitae Variant Classification Sherloc (09022015). Collection method: clinical testing. Allele origin: germline.
Comment: This sequence change replaces leucine, which is neutral and non-polar, with phenylalanine, which is neutral and non-polar, at codon 647 of the KIT protein (p.Leu647Phe). This variant is not present in population databases (gnomAD no frequency). This missense change has been observed in individuals with piebaldism (PMID: 25910686; internal data). An algorithm developed to predict the effect of missense changes on protein structure and function (PolyPhen-2) suggests that this variant is likely to be disruptive. In summary, the available evidence is currently insufficient to determine the role of this variant in disease. Therefore, it has been classified as a Variant of Uncertain Significance.

Literature cited by the submitters: PubMed 25910686.